The following is an entry in ClinVar:

ClinVar aggregate classification (germline): Pathogenic/Likely pathogenic. Review status: criteria provided, multiple submitters, no conflicts (2 of 4 stars). 3 submissions from 3 submitters: Pathogenic (1); Likely pathogenic (1). 1 of the submissions does not count toward it. Last evaluated 2022-10-28.

Conditions:
Tuberous sclerosis syndrome (TSC). Also called: Tuberous Sclerosis Complex; Tuberous sclerosis. Identifiers: Orphanet 805, MedGen C0041341, MONDO:0001734.
Tuberous sclerosis 2 (TSC2). Identifiers: Orphanet 805, MedGen C1860707, MONDO:0013199, OMIM 613254.

Submissions (3):

Labcorp Genetics (formerly Invitae), Labcorp
Classification: Pathogenic for Tuberous sclerosis 2. Last evaluated: 2022-10-28. Review status: criteria provided, single submitter. Criteria: Invitae Variant Classification Sherloc (09022015). Collection method: clinical testing. Allele origin: germline.
Comment: For these reasons, this variant has been classified as Pathogenic. Studies have shown that this variant results in multiple mRNA products and introduces a premature termination codon (PMID: 10533066, 11068191). The resulting mRNA is expected to undergo nonsense-mediated decay. ClinVar contains an entry for this variant (Variation ID: 49345). This variant is also known as IVS38-18A>G. This variant has been observed in individual(s) with clinical features of tuberous sclerosis complex (PMID: 10533066, 21520333; Invitae). In at least one individual the variant was observed to be de novo. This variant is not present in population databases (gnomAD no frequency). This sequence change falls in intron 39 of the TSC2 gene. It does not directly change the encoded amino acid sequence of the TSC2 protein. RNA analysis indicates that this variant induces altered splicing and may result in an absent or disrupted protein product.

Department of Pathology and Laboratory Medicine, Sinai Health System
Classification: Likely pathogenic for tuberous sclerosis. Review status: criteria provided, single submitter. Criteria: ACMG Guidelines, 2015. Collection method: clinical testing. Allele origin: germline.

Tuberous sclerosis database (TSC2)
No classification provided. Condition: TSC. Review status: no classification provided. Criteria: Tuberous Sclerosis Database Assertion Criteria 2015. Collection method: curation. Allele origin: germline. Affected: yes. Not counted in ClinVar's aggregate classification.

Literature cited by the submitters: PubMed 10533066 (cited by Labcorp Genetics (formerly Invitae), Labcorp); PubMed 11068191 (cited by Labcorp Genetics (formerly Invitae), Labcorp); PubMed 21520333 (cited by Labcorp Genetics (formerly Invitae), Labcorp).

NM_000548.5(TSC2):c.5069-18A>G

Gene: TSC2 (TSC complex subunit 2; plus strand). Cytogenetic location: 16p13.3.
Variant type: single nucleotide variant.
Coding change: c.5069-18A>G on transcript NM_000548.5 (MANE Select); 18 bases into the intron before coding-DNA position 5069, A replaced by G.
Molecular consequence: intron variant.
Genome position (GRCh38, 1-based): chr16:2,088,030, A>G. VCF-style: chr16-2088030-A-G. GRCh37 (hg19) VCF-style: chr16-2138031-A-G.
Other names: c.5000-18A>G (NM_001114382.3); c.4940-18A>G (NM_021055.3, NM_001370405.1); c.4871-18A>G (NM_001363528.2); c.4937-18A>G (NM_001370404.1); c.4868-18A>G (NM_001077183.3); c.4760-18A>G (NM_001318827.2); c.4337-18A>G (NM_001318831.2); c.4724-18A>G (NM_001318829.2); and 1 more.
Identifiers: ClinVar variation 49345 (VCV000049345.8), dbSNP rs45484794, ClinGen allele CA021636.
Genomic context (GRCh38, chr16:2,088,030, plus strand): 5'-GGAAAGGTAGGGCCGGGTGGGGCCCTGCAGTGTGGCGCCAAGAGCCCTGGGCCTGGCGTG[A>G]CCACCAAGTCTCCCCAGACATGGAGGGCCTTGTGGACACCAGCGTGGCCAAGATCGTGTC-3'